The following is an entry in ClinVar:

NM_000059.4(BRCA2):c.8120A>G (p.Lys2707Arg)

Gene: BRCA2 (BRCA2 DNA repair associated; plus strand). Cytogenetic location: 13q13.1.
Variant type: single nucleotide variant.
Coding change: c.8120A>G on transcript NM_000059.4 (MANE Select); coding-DNA position 8120, A replaced by G.
Protein change: p.Lys2707Arg; replaces lysine 2707 with arginine.
Molecular consequence: missense variant.
Genome position (GRCh38, 1-based): chr13:32,363,322, A>G. VCF-style: chr13-32363322-A-G. GRCh37 (hg19) VCF-style: chr13-32937459-A-G.
Other names: short protein forms K2707R.
Identifiers: ClinVar variation 1015588 (VCV001015588.9), dbSNP rs2072756636, ClinGen allele CA387749387.
Genomic context (GRCh38, chr13:32,363,322, plus strand): 5'-TTCTCTGTGTTTCTGACATAATTTCATTGAGCGCAAATATATCTGAAACTTCTAGCAATA[A>G]AACTAGTAGTGCAGATACCCAAAAAGTGGCCATTATTGAACTTACAGATGGGTGGTATGC-3'
Protein context (NP_000050.3, residues 2697-2717): SANISETSSN[Lys2707Arg]TSSADTQKVA

ClinVar aggregate classification (germline): Uncertain significance (1 of 4 stars; one submission).

Conditions:
Hereditary breast ovarian cancer syndrome. Also called: Hereditary breast and ovarian cancer syndrome (HBOC); Hereditary breast and/or ovarian cancer syndrome; BRCA1- and BRCA2-Associated Hereditary Breast and Ovarian Cancer; Hereditary breast and ovarian cancer syndrome; Hereditary breast and ovarian cancer; Breast and ovarian cancer. Identifiers: Orphanet 145, MedGen C0677776, MeSH D061325, MONDO:0003582. Disease mechanism: loss of function.

Submission:

Labcorp Genetics (formerly Invitae), Labcorp
Classification: Uncertain significance for Hereditary breast ovarian cancer syndrome. Last evaluated: 2023-08-31. Review status: criteria provided, single submitter. Criteria: Invitae Variant Classification Sherloc (09022015). Collection method: clinical testing. Allele origin: germline.
Comment: This sequence change replaces lysine, which is basic and polar, with arginine, which is basic and polar, at codon 2707 of the BRCA2 protein (p.Lys2707Arg). This variant is not present in population databases (gnomAD no frequency). This variant has not been reported in the literature in individuals affected with BRCA2-related conditions. ClinVar contains an entry for this variant (Variation ID: 1015588). Advanced modeling of protein sequence and biophysical properties (such as structural, functional, and spatial information, amino acid conservation, physicochemical variation, residue mobility, and thermodynamic stability) performed at Invitae indicates that this missense variant is not expected to disrupt BRCA2 protein function. In summary, the available evidence is currently insufficient to determine the role of this variant in disease. Therefore, it has been classified as a Variant of Uncertain Significance.